The following is an entry in ClinVar:

NM_014233.4(UBTF):c.1387C>T (p.Leu463Phe)

Genes: ATXN7L3-AS1 (ATXN7L3 antisense RNA 1; plus strand), UBTF (upstream binding transcription factor; minus strand), LOC121587595 (Sharpr-MPRA regulatory region 7848; plus strand). Cytogenetic location: 17q21.31.
Variant type: single nucleotide variant.
Coding change: c.1387C>T on transcript NM_014233.4 (MANE Select); coding-DNA position 1387, C replaced by T.
Protein change: p.Leu463Phe; replaces leucine 463 with phenylalanine.
Molecular consequence: missense variant. On other transcripts: non-coding transcript variant (1).
Genome position (GRCh38, 1-based): chr17:44,210,446, G>A on the plus strand (C>T on the coding strand, the complement: UBTF is on the minus strand). VCF-style: chr17-44210446-G-A. GRCh37 (hg19) VCF-style: chr17-42287814-G-A.
Other names: c.1276C>T, p.Leu426Phe (NM_001076683.2, NM_001076684.3); short protein forms L426F, L463F.
Identifiers: ClinVar variation 1306068 (VCV001306068.2), dbSNP rs946929656, ClinGen allele CA290908191.
Genomic context (GRCh38, chr17:44,210,446, plus strand): 5'-CGGGCAGCTTGCCCCGTTCCTCGCGCTCCCCGCCGGGCTTCCTCTCCGACTGAGCCTTGA[G>A]CGCCGCCTCTCGGGCCTTGTACTTGGCCTGCGGGGATGGCCCGGGCGTCAGCCTTCCACC-3'
Protein context (NP_055048.1, residues 453-473): KAKYKAREAA[Leu463Phe]KAQSERKPGG

ClinVar aggregate classification (germline): Uncertain significance (1 of 4 stars; one submission).

Allele frequency attached by ClinVar (database versions not stated): gnomAD exomes below 0.00001; TOPMed 0.00001.
gnomAD v4.1: 1 of 1,612,944 alleles (0.000062%); highest among the groups gnomAD compares: African/African-American, 0.0013%; no homozygotes.

Submission:

GeneDx
Classification: Uncertain significance. Last evaluated: 2019-06-11. Review status: criteria provided, single submitter. Criteria: GeneDx Variant Classification Process June 2021. Collection method: clinical testing. Allele origin: germline. Affected: yes.
Comment: Not observed in large population cohorts (Lek et al., 2016); In silico analysis, which includes protein predictors and evolutionary conservation, supports that this variant does not alter protein structure/function; Has not been previously published as pathogenic or benign to our knowledge